The following is an entry in ClinVar:

ClinVar aggregate classification (germline): Uncertain significance. Review status: criteria provided, multiple submitters, no conflicts (2 of 4 stars). 3 submissions from 3 submitters: Uncertain significance (3). Last evaluated 2024-03-25.

Conditions:
Inborn genetic diseases. Identifiers: MedGen C0950123, MeSH D030342.

Allele frequency attached by ClinVar (database versions not stated): ExAC 0.00003; gnomAD 0.00003 and 0.00005; TOPMed 0.00006.

Submissions (3):

Blueprint Genetics
Classification: Uncertain significance. Last evaluated: 2024-03-25. Review status: criteria provided, single submitter. Criteria: ACMG Guidelines, 2015. Collection method: clinical testing. Allele origin: germline.

Labcorp Genetics (formerly Invitae), Labcorp
Classification: Uncertain significance. Last evaluated: 2024-01-09. Review status: criteria provided, single submitter. Criteria: Invitae Variant Classification Sherloc (09022015). Collection method: clinical testing. Allele origin: germline.
Comment: This sequence change replaces arginine, which is basic and polar, with histidine, which is basic and polar, at codon 129 of the GNB3 protein (p.Arg129His). This variant is present in population databases (rs201797921, gnomAD 0.03%). This variant has not been reported in the literature in individuals affected with GNB3-related conditions. ClinVar contains an entry for this variant (Variation ID: 1346519). Advanced modeling of protein sequence and biophysical properties (such as structural, functional, and spatial information, amino acid conservation, physicochemical variation, residue mobility, and thermodynamic stability) performed at Invitae indicates that this missense variant is not expected to disrupt GNB3 protein function with a negative predictive value of 80%. In summary, the available evidence is currently insufficient to determine the role of this variant in disease. Therefore, it has been classified as a Variant of Uncertain Significance.

Ambry Genetics
Classification: Uncertain significance for Inborn genetic diseases. Last evaluated: 2023-12-09. Review status: criteria provided, single submitter. Criteria: Ambry Variant Classification Scheme 2023. Collection method: clinical testing. Allele origin: germline.

NM_002075.4(GNB3):c.386G>A (p.Arg129His)

Gene: GNB3 (G protein subunit beta 3; plus strand). Cytogenetic location: 12p13.31.
Variant type: single nucleotide variant.
Coding change: c.386G>A on transcript NM_002075.4 (MANE Select); coding-DNA position 386, G replaced by A.
Protein change: p.Arg129His; replaces arginine 129 with histidine.
Molecular consequence: missense variant.
Genome position (GRCh38, 1-based): chr12:6,843,481, G>A. VCF-style: chr12-6843481-G-A. GRCh37 (hg19) VCF-style: chr12-6952645-G-A.
Other names: c.386G>A, p.Arg129His (NM_001297571.2); c.386G>A (NM_002075.2); short protein forms R129H.
Identifiers: ClinVar variation 1346519 (VCV001346519.10), dbSNP rs201797921, ClinGen allele CA6417519.